The following is an entry in ClinVar:

NM_001048174.2(MUTYH):c.1304A>T (p.Gln435Leu)

Gene: MUTYH (mutY DNA glycosylase; minus strand). Cytogenetic location: 1p34.1.
Variant type: single nucleotide variant.
Coding change: c.1304A>T on transcript NM_001048174.2 (MANE Select); coding-DNA position 1304, A replaced by T.
Protein change: p.Gln435Leu; replaces glutamine 435 with leucine.
Molecular consequence: missense variant. On other transcripts: non-coding transcript variant (2).
Genome position (GRCh38, 1-based): chr1:45,331,270, T>A on the plus strand (A>T on the coding strand, the complement: MUTYH is on the minus strand). VCF-style: chr1-45331270-T-A. GRCh37 (hg19) VCF-style: chr1-45796942-T-A.
Other names: c.1388A>T, p.Gln463Leu (NM_001128425.2); c.1349A>T, p.Gln450Leu (NM_001293190.2); c.1337A>T, p.Gln446Leu (NM_001293191.2); c.1028A>T, p.Gln343Leu (NM_001293192.2, NM_001293196.2); c.1304A>T, p.Gln435Leu (NM_001293195.2, NM_001048171.2, NM_001048173.2); c.959A>T, p.Gln320Leu (NM_001350650.2, NM_001350651.2); c.1379A>T, p.Gln460Leu (NM_012222.3); c.1388A>T (NM_001128425.1); and 1 more; short protein forms Q436L, Q450L, Q460L, Q320L, Q446L, Q343L, Q435L, Q463L.
Identifiers: ClinVar variation 1368333 (VCV001368333.9), dbSNP rs2149113301, ClinGen allele CA340132671.
Genomic context (GRCh38, chr1:45,331,270, plus strand): 5'-GTGTGAAATTCCTCCTGCGTCAGCCAGCGAGCACCTGGTGGTACGGTGGTCACTGGGGTC[T>A]GCCCTTCCAAGGCCAGCCCATATACTTGATATGTCAGCTTGATGTGAGAGAAGGTGTGGA-3'
Protein context (NP_001041639.1, residues 425-445): YQVYGLALEG[Gln435Leu]TPVTTVPPGA

ClinVar aggregate classification (germline): Uncertain significance. Review status: criteria provided, multiple submitters, no conflicts (2 of 4 stars). 2 submissions from 2 submitters: Uncertain significance (2). Last evaluated 2025-08-27.

Conditions:
Hereditary cancer-predisposing syndrome. Also called: Tumor predisposition; Neoplastic Syndromes, Hereditary; Hereditary Cancer Syndrome; Hereditary neoplastic syndrome. Identifiers: Orphanet 140162, MedGen C0027672, MeSH D009386, MONDO:0015356.
Familial adenomatous polyposis 2. Also called: Adenomas, multiple colorectal; MYH-associated polyposis; COLORECTAL ADENOMATOUS POLYPOSIS, AUTOSOMAL RECESSIVE; ADENOMAS, MULTIPLE COLORECTAL, AUTOSOMAL RECESSIVE; FAP type 2; MUTYH Polyposis. Identifiers: Orphanet 220460, Orphanet 247798, MedGen C3272841, MONDO:0012041, OMIM 608456.

Submissions (2):

Ambry Genetics
Classification: Uncertain significance for Hereditary cancer-predisposing syndrome. Last evaluated: 2025-08-27. Review status: criteria provided, single submitter. Criteria: Ambry Variant Classification Scheme 2023. Collection method: clinical testing. Allele origin: germline.
Comment: The p.Q463L variant (also known as c.1388A>T), located in coding exon 14 of the MUTYH gene, results from an A to T substitution at nucleotide position 1388. The glutamine at codon 463 is replaced by leucine, an amino acid with dissimilar properties. This amino acid position is conserved. In addition, the in silico prediction for this alteration is inconclusive. Based on the available evidence, the clinical significance of this variant remains unclear.

Labcorp Genetics (formerly Invitae), Labcorp
Classification: Uncertain significance for Familial adenomatous polyposis 2. Last evaluated: 2021-05-16. Review status: criteria provided, single submitter. Criteria: Invitae Variant Classification Sherloc (09022015). Collection method: clinical testing. Allele origin: germline.
Comment: This sequence change replaces glutamine with leucine at codon 463 of the MUTYH protein (p.Gln463Leu). The glutamine residue is moderately conserved and there is a moderate physicochemical difference between glutamine and leucine. This variant is not present in population databases (ExAC no frequency). This variant has not been reported in the literature in individuals with MUTYH-related conditions. In summary, the available evidence is currently insufficient to determine the role of this variant in disease. Therefore, it has been classified as a Variant of Uncertain Significance. Algorithms developed to predict the effect of missense changes on protein structure and function (SIFT, PolyPhen-2, Align-GVGD) all suggest that this variant is likely to be tolerated, but these predictions have not been confirmed by published functional studies and their clinical significance is uncertain.